The following is an entry in ClinVar:

ClinVar aggregate classification (germline): Likely benign (1 of 4 stars; one submission).

gnomAD v4.1: 39 of 1,613,994 alleles (0.0024%); highest among the groups gnomAD compares: Non-Finnish European, 0.0033%; no homozygotes.

Submission:

CeGaT Center for Human Genetics Tuebingen
Classification: Likely benign. Last evaluated: 2026-01-01. Review status: criteria provided, single submitter. Criteria: CeGaT Center For Human Genetics Tuebingen Variant Classification Criteria Version 2. Collection method: clinical testing. Allele origin: germline. Affected: yes. Observed: 1 variant allele.
Comment: ANGPTL7: BP4

NM_021146.4(ANGPTL7):c.67C>G (p.Pro23Ala)

Genes: ANGPTL7 (angiopoietin like 7; plus strand), MTOR (mechanistic target of rapamycin kinase; minus strand). Cytogenetic location: 1p36.22.
Variant type: single nucleotide variant.
Coding change: c.67C>G on transcript NM_021146.4 (MANE Select); coding-DNA position 67, C replaced by G.
Protein change: p.Pro23Ala; replaces proline 23 with alanine.
Molecular consequence: missense variant. On other transcripts: intron variant (3).
Genome position (GRCh38, 1-based): chr1:11,189,646, C>G. VCF-style: chr1-11189646-C-G. GRCh37 (hg19) VCF-style: chr1-11249703-C-G.
Other names: c.3005+9612G>C (NM_001386501.1); c.4253+9612G>C (NM_004958.4, NM_001386500.1); short protein forms P23A.
Identifiers: ClinVar variation 4821662 (VCV004821662.4).